The following is an entry in ClinVar:

ClinVar aggregate classification (germline): Uncertain significance (1 of 4 stars; one submission).

Conditions:
Epidermolysis bullosa simplex 3, localized or generalized intermediate, with BP230 deficiency (EBS3). Also called: Epidermolysis bullosa simplex, autosomal recessive 2; Epidermolysis bullosa simplex due to BP230 deficiency. Identifiers: Orphanet 412181, MedGen C3809470, MONDO:0014180, OMIM 615425.
Hereditary sensory and autonomic neuropathy type 6. Also called: Neuropathy, hereditary sensory and autonomic, type VI; HSAN VI. Identifiers: Orphanet 314381, MedGen C3539003, MONDO:0013839, OMIM 614653.

Submission:

Labcorp Genetics (formerly Invitae), Labcorp
Classification: Uncertain significance for Epidermolysis bullosa simplex 3, localized or generalized intermediate, with BP230 deficiency; Hereditary sensory and autonomic neuropathy type 6. Last evaluated: 2022-04-07. Review status: criteria provided, single submitter. Criteria: Invitae Variant Classification Sherloc (09022015). Collection method: clinical testing. Allele origin: germline.
Comment: In summary, the available evidence is currently insufficient to determine the role of this variant in disease. Therefore, it has been classified as a Variant of Uncertain Significance. Algorithms developed to predict the effect of missense changes on protein structure and function (SIFT, PolyPhen-2, Align-GVGD) all suggest that this variant is likely to be tolerated. This variant has not been reported in the literature in individuals affected with DST-related conditions. This variant is not present in population databases (gnomAD no frequency). This sequence change replaces isoleucine, which is neutral and non-polar, with valine, which is neutral and non-polar, at codon 2489 of the DST protein (p.Ile2489Val).

NM_001723.7(DST):c.7465A>G (p.Ile2489Val)

Gene: DST (dystonin; minus strand). Cytogenetic location: 6p12.1.
Variant type: single nucleotide variant.
Coding change: c.7465A>G on transcript NM_001723.7 (MANE Plus Clinical); coding-DNA position 7465, A replaced by G.
Protein change: p.Ile2489Val; replaces isoleucine 2489 with valine.
Molecular consequence: missense variant. On other transcripts: intron variant (10).
Genome position (GRCh38, 1-based): chr6:56,616,002, T>C on the plus strand (A>G on the coding strand, the complement: DST is on the minus strand). VCF-style: chr6-56616002-T-C. GRCh37 (hg19) VCF-style: chr6-56480800-T-C.
Other names: c.4831-1518A>G (NM_001144769.5); c.4930-1518A>G (NM_001374722.1, NM_001374736.1); c.4957-1518A>G (NM_001374734.1); c.4417-1518A>G (NM_001144770.2); c.4297-1518A>G (NM_001374730.1, NM_001386100.1, NM_183380.4 and 1 more transcripts); c.3319-1518A>G (NM_015548.5); short protein forms I2489V.
Identifiers: ClinVar variation 2122327 (VCV002122327.4), dbSNP rs2536593417, ClinGen allele CA364562937.